The following is an entry in ClinVar:

ClinVar aggregate classification (germline): Uncertain significance (1 of 4 stars; one submission).

Conditions:
Anauxetic dysplasia. Identifiers: Orphanet 93347, MedGen C1846796, MONDO:0011773.

Submission:

Labcorp Genetics (formerly Invitae), Labcorp
Classification: Uncertain significance for Anauxetic dysplasia. Last evaluated: 2024-02-24. Review status: criteria provided, single submitter. Criteria: Invitae Variant Classification Sherloc (09022015). Collection method: clinical testing. Allele origin: germline.
Comment: This variant occurs in the RMRP gene, which encodes an RNA molecule that does not result in a protein product. This variant is present in population databases (no rsID available, gnomAD 0.007%). This variant has not been reported in the literature in individuals affected with RMRP-related conditions. Experimental studies and prediction algorithms are not available or were not evaluated, and the functional significance of this variant is currently unknown. In summary, the available evidence is currently insufficient to determine the role of this variant in disease. Therefore, it has been classified as a Variant of Uncertain Significance.

NC_000009.12:g.35657737C>T

Gene: RMRP (RNA component of mitochondrial RNA processing endoribonuclease; minus strand). Cytogenetic location: 9p13.3.
Variant type: single nucleotide variant.
Genome position: GRCh38 VCF-style: chr9-35657737-C-T. GRCh37 (hg19) VCF-style: chr9-35657734-C-T.
Identifiers: ClinVar variation 1436285 (VCV001436285.5), dbSNP rs1166044496, ClinGen allele CA587570148.